The following is an entry in ClinVar:

NM_000384.3(APOB):c.13527C>T (p.Tyr4509=)

Gene: APOB (apolipoprotein B; minus strand). Cytogenetic location: 2p24.1.
Variant type: single nucleotide variant.
Coding change: c.13527C>T on transcript NM_000384.3 (MANE Select); coding-DNA position 13527, C replaced by T.
Protein change: p.Tyr4509=; no amino-acid change (tyrosine 4509 retained).
Molecular consequence: synonymous variant.
Genome position (GRCh38, 1-based): chr2:21,001,895, G>A on the plus strand (C>T on the coding strand, the complement: APOB is on the minus strand). VCF-style: chr2-21001895-G-A. GRCh37 (hg19) VCF-style: chr2-21224767-G-A.
Identifiers: ClinVar variation 3393003 (VCV003393003.1).

ClinVar aggregate classification (germline): Likely benign (1 of 4 stars; one submission).

Conditions:
Familial hypercholesterolemia. Also called: Familial hypercholesterolaemia. Identifiers: MedGen C0020445, MONDO:0005439.

Submission:

GENinCode PLC
Classification: Likely benign for Familial hypercholesterolemia. Last evaluated: 2023-03-30. Review status: criteria provided, single submitter. Criteria: ACMG Guidelines, 2015. Collection method: clinical testing. Allele origin: germline.
Comment: This is a synonymous (silent) variant that is not predicted by SpliceAI to impact splicing. In addition, it occurs at a nucleotide that is not conserved. Therefore this variant has been classified as Likely Benign (BP4, BP7).